The following is an entry in ClinVar:

NM_004260.4(RECQL4):c.2050A>C (p.Thr684Pro)

Gene: RECQL4 (RecQ like helicase 4; minus strand). Cytogenetic location: 8q24.3.
Variant type: single nucleotide variant.
Coding change: c.2050A>C on transcript NM_004260.4 (MANE Select); coding-DNA position 2050, A replaced by C.
Protein change: p.Thr684Pro; replaces threonine 684 with proline.
Molecular consequence: missense variant.
Genome position (GRCh38, 1-based): chr8:144,513,936, T>G on the plus strand (A>C on the coding strand, the complement: RECQL4 is on the minus strand). VCF-style: chr8-144513936-T-G. GRCh37 (hg19) VCF-style: chr8-145739320-T-G.
Other names: short protein forms T684P.
Identifiers: ClinVar variation 1019015 (VCV001019015.3), dbSNP rs1483958590, ClinGen allele CA372680234.

ClinVar aggregate classification (germline): Uncertain significance (1 of 4 stars; one submission).

Conditions:
Baller-Gerold syndrome (BGS). Also called: CRANIOSYNOSTOSIS WITH RADIAL DEFECTS. Identifiers: Orphanet 1225, MedGen C0265308, MONDO:0009039, OMIM 218600.

Allele frequency attached by ClinVar (database versions not stated): gnomAD exomes below 0.00001.
gnomAD v4.1: 3 of 1,554,628 alleles (0.00019%); highest among the groups gnomAD compares: Non-Finnish European, 0.00026%; no homozygotes.

Submission:

Labcorp Genetics (formerly Invitae), Labcorp
Classification: Uncertain significance for Baller-Gerold syndrome. Last evaluated: 2020-05-30. Review status: criteria provided, single submitter. Criteria: Invitae Variant Classification Sherloc (09022015). Collection method: clinical testing. Allele origin: germline.
Comment: This sequence change replaces threonine with proline at codon 684 of the RECQL4 protein (p.Thr684Pro). The threonine residue is weakly conserved and there is a small physicochemical difference between threonine and proline. This variant is not present in population databases (ExAC no frequency). However, in that individual a pathogenic allele was also identified in RECQL4, which suggests that this c.2050A>C variant was not the primary cause of disease. Experimental studies and prediction algorithms are not available or were not evaluated, and the functional significance of this variant is currently unknown. The proline amino acid residue is found in multiple mammalian species, suggesting that this missense change does not adversely affect protein function. These predictions have not been confirmed by published functional studies and their clinical significance is uncertain. In summary, the available evidence is currently insufficient to determine the role of this variant in disease. Therefore, it has been classified as a Variant of Uncertain Significance.